The following is an entry in ClinVar:

NM_006231.4(POLE):c.5774T>C (p.Ile1925Thr)

Gene: POLE (DNA polymerase epsilon, catalytic subunit; minus strand). Cytogenetic location: 12q24.33.
Variant type: single nucleotide variant.
Coding change: c.5774T>C on transcript NM_006231.4 (MANE Select); coding-DNA position 5774, T replaced by C.
Protein change: p.Ile1925Thr; replaces isoleucine 1925 with threonine.
Molecular consequence: missense variant.
Genome position (GRCh38, 1-based): chr12:132,635,929, A>G on the plus strand (T>C on the coding strand, the complement: POLE is on the minus strand). VCF-style: chr12-132635929-A-G. GRCh37 (hg19) VCF-style: chr12-133212515-A-G.
Other names: short protein forms I1925T.
Identifiers: ClinVar variation 3652308 (VCV003652308.2).

ClinVar aggregate classification (germline): Uncertain significance (1 of 4 stars; one submission).

gnomAD v4.1: 2 of 1,613,806 alleles (0.00012%); highest among the groups gnomAD compares: Non-Finnish European, 0.000085%; no homozygotes.

Submission:

Labcorp Genetics (formerly Invitae), Labcorp
Classification: Uncertain significance. Last evaluated: 2025-04-09. Review status: criteria provided, single submitter. Criteria: Invitae Variant Classification Sherloc (09022015). Collection method: clinical testing. Allele origin: germline.
Comment: This sequence change replaces isoleucine, which is neutral and non-polar, with threonine, which is neutral and polar, at codon 1925 of the POLE protein (p.Ile1925Thr). This variant is not present in population databases (gnomAD no frequency). This variant has not been reported in the literature in individuals affected with POLE-related conditions. ClinVar contains an entry for this variant (Variation ID: 3652308). Invitae Evidence Modeling of protein sequence and biophysical properties (such as structural, functional, and spatial information, amino acid conservation, physicochemical variation, residue mobility, and thermodynamic stability) indicates that this missense variant is not expected to disrupt POLE protein function with a negative predictive value of 80%. In summary, the available evidence is currently insufficient to determine the role of this variant in disease. Therefore, it has been classified as a Variant of Uncertain Significance.